The following is an entry in ClinVar:

NM_053025.4(MYLK):c.4415+1G>A

Gene: MYLK (myosin light chain kinase; minus strand). Cytogenetic location: 3q21.1.
Variant type: single nucleotide variant.
Coding change: c.4415+1G>A on transcript NM_053025.4 (MANE Select); the canonical splice donor site of the intron after coding-DNA position 4415, G replaced by A.
Molecular consequence: splice donor variant.
Genome position (GRCh38, 1-based): chr3:123,648,970, C>T on the plus strand (G>A on the coding strand, the complement: MYLK is on the minus strand). VCF-style: chr3-123648970-C-T. GRCh37 (hg19) VCF-style: chr3-123367817-C-T.
Other names: c.3887+1G>A (NM_001321309.2); c.4208+1G>A (NM_053028.4, NM_053026.4); c.4415+1G>A (NM_053027.4).
Identifiers: ClinVar variation 573383 (VCV000573383.10), dbSNP rs1430822242, ClinGen allele CA354227409.
Genomic context (GRCh38, chr3:123,648,970, plus strand): 5'-ACTGTGAGACCCGCACCACCCTCACCCTGGGAGCCCAGAGGCAACTTCCCACTCCACTTA[C>T]GATCCTAATCTCTCCTCAATGTCGTAGAAGTCAGATACTTTTTGTTCAGTATTGATTGTC-3'

ClinVar aggregate classification (germline): Likely pathogenic (1 of 4 stars; one submission).

Conditions:
Aortic aneurysm, familial thoracic 7 (AAT7). Also called: AORTIC DISSECTION, FAMILIAL, WITH OR WITHOUT AORTIC ANEURYSM. Identifiers: MedGen C3151077, MONDO:0013418, OMIM 613780.

Allele frequency attached by ClinVar (database versions not stated): gnomAD exomes below 0.00001; TOPMed 0.00001.
gnomAD v4.1: 4 of 1,613,954 alleles (0.00025%); highest among the groups gnomAD compares: Admixed American, 0.0017%; no homozygotes.

Submission:

Labcorp Genetics (formerly Invitae), Labcorp
Classification: Likely pathogenic for Aortic aneurysm, familial thoracic 7. Last evaluated: 2023-05-23. Review status: criteria provided, single submitter. Criteria: Invitae Variant Classification Sherloc (09022015). Collection method: clinical testing. Allele origin: germline.
Comment: In summary, the currently available evidence indicates that the variant is pathogenic, but additional data are needed to prove that conclusively. Therefore, this variant has been classified as Likely Pathogenic. Algorithms developed to predict the effect of sequence changes on RNA splicing suggest that this variant may disrupt the consensus splice site. ClinVar contains an entry for this variant (Variation ID: 573383). This variant has not been reported in the literature in individuals affected with MYLK-related conditions. This variant is present in population databases (no rsID available, gnomAD 0.003%). This sequence change affects a donor splice site in intron 26 of the MYLK gene. This variant occurs within the aortic-specific isoform of MYLK. Loss-of-function variants in the aortic-specific isoform of MYLK are known to be pathogenic for thoracic aortic dissections (PMID: 21055718).

Literature cited by the submitters: PubMed 21055718.